The following is an entry in ClinVar:

ClinVar aggregate classification (germline): Uncertain significance (1 of 4 stars; one submission).

Conditions:
Autosomal recessive severe congenital neutropenia due to CSF3R deficiency. Also called: Neutropenia, severe congenital, 7, autosomal recessive. Identifiers: Orphanet 420702, MedGen C4310764, MONDO:0014865, OMIM 617014.

Allele frequency attached by ClinVar (database versions not stated): gnomAD exomes below 0.00001; ExAC 0.00001.

Submission:

Labcorp Genetics (formerly Invitae), Labcorp
Classification: Uncertain significance for Autosomal recessive severe congenital neutropenia due to CSF3R deficiency. Last evaluated: 2024-10-28. Review status: criteria provided, single submitter. Criteria: Invitae Variant Classification Sherloc (09022015). Collection method: clinical testing. Allele origin: germline.
Comment: This sequence change replaces glutamic acid, which is acidic and polar, with lysine, which is basic and polar, at codon 267 of the CSF3R protein (p.Glu267Lys). This variant is present in population databases (rs766516547, gnomAD 0.003%). This variant has not been reported in the literature in individuals affected with CSF3R-related conditions. ClinVar contains an entry for this variant (Variation ID: 2159646). Invitae Evidence Modeling of protein sequence and biophysical properties (such as structural, functional, and spatial information, amino acid conservation, physicochemical variation, residue mobility, and thermodynamic stability) has been performed for this missense variant. However, the output from this modeling did not meet the statistical confidence thresholds required to predict the impact of this variant on CSF3R protein function. In summary, the available evidence is currently insufficient to determine the role of this variant in disease. Therefore, it has been classified as a Variant of Uncertain Significance.

NM_000760.4(CSF3R):c.799G>A (p.Glu267Lys)

Gene: CSF3R (colony stimulating factor 3 receptor; minus strand). Cytogenetic location: 1p34.3.
Variant type: single nucleotide variant.
Coding change: c.799G>A on transcript NM_000760.4 (MANE Select); coding-DNA position 799, G replaced by A.
Protein change: p.Glu267Lys; replaces glutamic acid 267 with lysine.
Molecular consequence: missense variant.
Genome position (GRCh38, 1-based): chr1:36,472,561, C>T on the plus strand (G>A on the coding strand, the complement: CSF3R is on the minus strand). VCF-style: chr1-36472561-C-T. GRCh37 (hg19) VCF-style: chr1-36938162-C-T.
Other names: c.799G>A, p.Glu267Lys (NM_156039.3, NM_172313.3); short protein forms E267K.
Identifiers: ClinVar variation 2159646 (VCV002159646.4), dbSNP rs766516547, ClinGen allele CA769388.